The following is an entry in ClinVar:

NM_022124.6(CDH23):c.4835dup (p.Thr1613fs)

Gene: CDH23 (cadherin related 23; plus strand). Cytogenetic location: 10q22.1.
Variant type: Duplication.
Coding change: c.4835dup on transcript NM_022124.6 (MANE Select); coding-DNA position 4835, one base duplicated (C; older notation c.4835dupC).
Protein change: p.Thr1613fs; shifts the reading frame from threonine 1613.
Molecular consequence: frameshift variant.
Genome position (GRCh38, 1-based): chr10:71,741,911, C duplicated; the last of 4 consecutive C bases (chr10:71,741,908-71,741,911); duplicating any one gives the same sequence. VCF-style (leftmost placement, unchanged base first): chr10-71741907-A-AC. GRCh37 (hg19) VCF-style: chr10-73501664-A-AC.
Other names: short protein forms T1613fs.
Identifiers: ClinVar variation 4816083 (VCV004816083.1).

ClinVar aggregate classification (germline): Likely pathogenic (1 of 4 stars; one submission).

Conditions:
Usher syndrome type 1 (USH1). Also called: RETINITIS PIGMENTOSA AND CONGENITAL DEAFNESS. Identifiers: Orphanet 231169, Orphanet 886, MedGen C1568247, MONDO:0010168, OMIM 276900.

Submission:

Natera, Inc.
Classification: Likely pathogenic for Usher syndrome type 1. Last evaluated: 2025-06-20. Review status: criteria provided, single submitter. Criteria: Natera Variant Classification Schema (03/2026). Collection method: clinical testing. Allele origin: germline.
Comment: The c.4835dup variant in CDH23 is a frameshift variant predicted to shift the reading frame beginning at codon 1613 and leads to a stop codon 15 codons downstream. This variant is expected to result in nonsense mediated decay, truncation, or a dysfunctional protein product. This variant is rare in the general population with a frequency below the threshold expected for the associated phenotype(s). Given the available evidence, this variant is classified as Likely Pathogenic.